The following is an entry in ClinVar:

NM_020135.3(WRNIP1):c.757C>T (p.Arg253Cys)

Genes: MYLK4 (myosin light chain kinase family member 4; minus strand), WRNIP1 (WRN helicase interacting protein 1; plus strand). Cytogenetic location: 6p25.2.
Variant type: single nucleotide variant.
Coding change: c.757C>T on transcript NM_020135.3 (MANE Select); coding-DNA position 757, C replaced by T.
Protein change: p.Arg253Cys; replaces arginine 253 with cysteine.
Molecular consequence: missense variant. On other transcripts: intron variant (1).
Genome position (GRCh38, 1-based): chr6:2,766,379, C>T. VCF-style: chr6-2766379-C-T. GRCh37 (hg19) VCF-style: chr6-2766613-C-T.
Other names: c.757C>T, p.Arg253Cys (NM_130395.3); c.56+3679G>A (NM_001347872.2); short protein forms R253C.
Identifiers: ClinVar variation 2656177 (VCV002656177.22), dbSNP rs71552136, ClinGen allele CA3616136.

ClinVar aggregate classification (germline): Likely benign (1 of 4 stars; one submission).

Allele frequency attached by ClinVar (database versions not stated): 1000 Genomes Project 0.00140; 1000 Genomes Project 30x 0.00141; ESP Exome Variant Server 0.00254.
gnomAD v4.1: 4,711 of 1,608,748 alleles (0.29%); highest among the groups gnomAD compares: Middle Eastern, 0.58%; 16 homozygotes.

Submission:

CeGaT Center for Human Genetics Tuebingen
Classification: Likely benign. Last evaluated: 2022-12-01. Review status: criteria provided, single submitter. Criteria: CeGaT Center For Human Genetics Tuebingen Variant Classification Criteria Version 2. Collection method: clinical testing. Allele origin: germline. Affected: yes. Observed: 1 variant allele.
Comment: WRNIP1: BS2